The following is an entry in ClinVar:

NM_001286646.2(SLC45A4):c.1464G>A (p.Gly488=)

Gene: SLC45A4 (solute carrier family 45 member 4; minus strand). Cytogenetic location: 8q24.3.
Variant type: single nucleotide variant.
Coding change: c.1464G>A on transcript NM_001286646.2 (MANE Select); coding-DNA position 1464, G replaced by A.
Protein change: p.Gly488=; no amino-acid change (glycine 488 retained).
Molecular consequence: synonymous variant.
Genome position (GRCh38, 1-based): chr8:141,218,176, C>T on the plus strand (G>A on the coding strand, the complement: SLC45A4 is on the minus strand). VCF-style: chr8-141218176-C-T. GRCh37 (hg19) VCF-style: chr8-142228275-C-T.
Other names: c.1311G>A, p.Gly437= (NM_001080431.3, NM_001286648.2).
Identifiers: ClinVar variation 2658872 (VCV002658872.24), dbSNP rs140273884, ClinGen allele CA4897867.
Genomic context (GRCh38, chr8:141,218,176, plus strand): 5'-CAGCTCCCTGGGCATCTTCAGCATGGAGAGCCACAGCAGGCGCACCGTGGTCTCGCCCTC[C>T]CCCTCCTCACTCTCGGTGTCCCCGCTGGAGGTGGTGGCCCCGCTCTGGTTCCGGTGCCGG-3'
Protein context (NP_001273575.1, residues 478-498): TSSGDTESEE[Gly488=]EGETTVRLLW

ClinVar aggregate classification (germline): Likely benign (1 of 4 stars; one submission).

Allele frequency attached by ClinVar (database versions not stated): gnomAD exomes 0.00017; ExAC 0.00049; 1000 Genomes Project 30x 0.00125; gnomAD 0.00131; TOPMed 0.00159; 1000 Genomes Project 0.00160; ESP Exome Variant Server 0.00192.
gnomAD v4.1: 458 of 1,606,136 alleles (0.029%); highest among the groups gnomAD compares: African/African-American, 0.54%; no homozygotes.

Submission:

CeGaT Center for Human Genetics Tuebingen
Classification: Likely benign. Last evaluated: 2023-03-01. Review status: criteria provided, single submitter. Criteria: CeGaT Center For Human Genetics Tuebingen Variant Classification Criteria Version 2. Collection method: clinical testing. Allele origin: germline. Affected: yes. Observed: 1 variant allele.
Comment: SLC45A4: BP4, BP7